The following is an entry in ClinVar:

NM_004260.4(RECQL4):c.483G>C (p.Gln161His)

Gene: RECQL4 (RecQ like helicase 4; minus strand). Cytogenetic location: 8q24.3.
Variant type: single nucleotide variant.
Coding change: c.483G>C on transcript NM_004260.4 (MANE Select); coding-DNA position 483, G replaced by C.
Protein change: p.Gln161His; replaces glutamine 161 with histidine.
Molecular consequence: missense variant.
Genome position (GRCh38, 1-based): chr8:144,516,636, C>G on the plus strand (G>C on the coding strand, the complement: RECQL4 is on the minus strand). VCF-style: chr8-144516636-C-G. GRCh37 (hg19) VCF-style: chr8-145742020-C-G.
Other names: short protein forms Q161H.
Identifiers: ClinVar variation 406940 (VCV000406940.10), dbSNP rs985628516, ClinGen allele CA16612558.

ClinVar aggregate classification (germline): Uncertain significance. Review status: criteria provided, multiple submitters, no conflicts (2 of 4 stars). 2 submissions from 2 submitters: Uncertain significance (2). Last evaluated 2026-01-10.

Conditions:
Inborn genetic diseases. Identifiers: MedGen C0950123, MeSH D030342.
Baller-Gerold syndrome (BGS). Also called: CRANIOSYNOSTOSIS WITH RADIAL DEFECTS. Identifiers: Orphanet 1225, MedGen C0265308, MONDO:0009039, OMIM 218600.

Allele frequency attached by ClinVar (database versions not stated): gnomAD exomes 0.00001.
gnomAD v4.1: 20 of 1,608,600 alleles (0.0012%); highest among the groups gnomAD compares: Non-Finnish European, 0.0017%; no homozygotes.

Submissions (2):

Labcorp Genetics (formerly Invitae), Labcorp
Classification: Uncertain significance for Baller-Gerold syndrome. Last evaluated: 2026-01-10. Review status: criteria provided, single submitter. Criteria: Invitae Variant Classification Sherloc (09022015). Collection method: clinical testing. Allele origin: germline.
Comment: This sequence change replaces glutamine, which is neutral and polar, with histidine, which is basic and polar, at codon 161 of the RECQL4 protein (p.Gln161His). This variant is present in population databases (no rsID available, gnomAD 0.002%). This variant has not been reported in the literature in individuals affected with RECQL4-related conditions. ClinVar contains an entry for this variant (Variation ID: 406940). An algorithm developed to predict the effect of missense changes on protein structure and function outputs the following: PolyPhen-2: "Not Available". The histidine amino acid residue is found in multiple mammalian species, which suggests that this missense change does not adversely affect protein function. In summary, the available evidence is currently insufficient to determine the role of this variant in disease. Therefore, it has been classified as a Variant of Uncertain Significance.

Ambry Genetics
Classification: Uncertain significance for Inborn genetic diseases. Last evaluated: 2024-11-23. Review status: criteria provided, single submitter. Criteria: Ambry Variant Classification Scheme 2023. Collection method: clinical testing. Allele origin: germline.
Comment: The p.Q161H variant (also known as c.483G>C), located in coding exon 5 of the RECQL4 gene, results from a G to C substitution at nucleotide position 483. The glutamine at codon 161 is replaced by histidine, an amino acid with highly similar properties. This amino acid position is conserved. In addition, this alteration is predicted to be tolerated by in silico analysis. Based on the available evidence, the clinical significance of this variant remains unclear.